The following is an entry in ClinVar:

NM_194248.3(OTOF):c.660G>A (p.Ser220=)

Gene: OTOF (otoferlin; minus strand). Cytogenetic location: 2p23.3.
Variant type: single nucleotide variant.
Coding change: c.660G>A on transcript NM_194248.3 (MANE Select); coding-DNA position 660, G replaced by A.
Protein change: p.Ser220=; no amino-acid change (serine 220 retained).
Molecular consequence: synonymous variant.
Genome position (GRCh38, 1-based): chr2:26,502,350, C>T on the plus strand (G>A on the coding strand, the complement: OTOF is on the minus strand). VCF-style: chr2-26502350-C-T. GRCh37 (hg19) VCF-style: chr2-26725218-C-T.
Other names: c.660G>A, p.Ser220= (NM_001287489.2).
Identifiers: ClinVar variation 898220 (VCV000898220.9), dbSNP rs745785393, ClinGen allele CA1564560.

ClinVar aggregate classification (germline): Conflicting classifications of pathogenicity. Review status: criteria provided, conflicting classifications (1 of 4 stars). 3 submissions from 3 submitters: Uncertain significance (1); Benign (1). 1 of the submissions does not count toward it. Last evaluated 2024-12-30.

Conditions:
OTOF-related disorder. Also called: OTOF-related condition.
Autosomal recessive nonsyndromic hearing loss 9. Also called: AUDITORY NEUROPATHY, AUTOSOMAL RECESSIVE, 1, TEMPERATURE-SENSITIVE; NEUROSENSORY NONSYNDROMIC RECESSIVE DEAFNESS 9; Deafness, autosomal recessive 9; OTOF-Related Hearing Loss. Identifiers: Orphanet 90636, MedGen C1832828, MONDO:0010986, OMIM 601071.

Allele frequency attached by ClinVar (database versions not stated): gnomAD 0.00003; gnomAD exomes 0.00004 and 0.00012; ExAC 0.00007.
gnomAD v4.1: 63 of 1,613,854 alleles (0.0039%); highest among the groups gnomAD compares: Admixed American, 0.01%; 1 homozygote.

Submissions (3):

Labcorp Genetics (formerly Invitae), Labcorp
Classification: Benign. Last evaluated: 2024-12-30. Review status: criteria provided, single submitter. Criteria: Invitae Variant Classification Sherloc (09022015). Collection method: clinical testing. Allele origin: germline.

Illumina Laboratory Services, Illumina
Classification: Uncertain significance for Autosomal recessive nonsyndromic hearing loss 9. Last evaluated: 2018-01-12. Review status: criteria provided, single submitter. Criteria: ICSL Variant Classification Criteria 13 December 2019. Collection method: clinical testing. Allele origin: germline.

PreventionGenetics, part of Exact Sciences
Classification: Likely benign for OTOF-related condition. Last evaluated: 2019-07-25. Review status: no assertion criteria provided. Collection method: clinical testing. Allele origin: germline. Not counted in ClinVar's aggregate classification.
Comment: This variant is classified as likely benign based on ACMG/AMP sequence variant interpretation guidelines (Richards et al. 2015 PMID: 25741868, with internal and published modifications).